The following is an entry in ClinVar:

NM_005445.4(SMC3):c.406TAT[1] (p.Tyr137del)

Gene: SMC3 (structural maintenance of chromosomes 3; plus strand). Cytogenetic location: 10q25.2.
Variant type: Microsatellite.
Coding change: c.406TAT[1] on transcript NM_005445.4 (MANE Select); one copy of the 3-base unit TAT starting at c.406; the reference has two copies in a row; one copy, 3 bases deleted; also written c.409_411del.
Protein change: p.Tyr137del; deletes tyrosine 137.
Molecular consequence: inframe deletion. On other transcripts: frameshift variant (1).
Genome position (GRCh38, 1-based): chr10:110,578,686-110,578,688, TAT deleted; deleting any 3 consecutive bases within chr10:110,578,682-110,578,688 gives the same sequence; the position shown is the placement nearest the transcript's 3' end. VCF-style (leftmost placement, unchanged base first): chr10-110578681-CTTA-C. GRCh37 (hg19) VCF-style: chr10-112338439-CTTA-C.
Other names: c.409_411del (NM_005445.3, NM_005445.4); c.406_408TAT[1], p.Tyr137Cysfs (NM_005445.3); short protein forms Y137del.
Identifiers: ClinVar variation 4879500 (VCV004879500.2).

ClinVar aggregate classification (germline): Uncertain significance. Review status: criteria provided, multiple submitters, no conflicts (2 of 4 stars). 2 submissions from 2 submitters: Uncertain significance (2). Last evaluated 2026-03-18.

Conditions:
Cornelia de Lange syndrome 3 (CDLS3). Also called: SMC3-Related Cornelia de Lange Syndrome; CORNELIA DE LANGE SYNDROME 3 WITH OR WITHOUT MIDLINE BRAIN DEFECTS. Identifiers: Orphanet 199, MedGen C1853099, MONDO:0012555, OMIM 610759.

Submissions (2):

Clinical Genomics Laboratory, Washington University in St. Louis
Classification: Uncertain significance for Cornelia de Lange syndrome 3. Last evaluated: 2026-03-18. Review status: criteria provided, single submitter. Criteria: ACMG Guidelines, 2015. Collection method: clinical testing. Allele origin: germline.
Comment: The SMC3 c.409_411del (p.Tyr137del) variant, to our knowledge, has not been reported in the medical literature and is absent from the general population (gnomAD v4.1.0), indicating it is not a common variant. This variant is predicted to cause a change in the length of the protein due to an in-frame deletion of a single amino acid in a non-repeat region. Due to limited information, and based on ACMG/AMP guidelines for variant interpretation (Richards S et al., PMID: 25741868), the clinical significance of this variant is uncertain at this time.

GeneDx
Classification: Uncertain significance. Last evaluated: 2026-02-25. Review status: criteria provided, single submitter. Criteria: GeneDx Variant Classification Process June 2021. Collection method: clinical testing. Allele origin: germline.
Comment: Not observed at significant frequency in large population cohorts (gnomAD); In-frame deletion of 1 amino acid(s) in a non-repeat region; In silico analysis supports a deleterious effect on protein structure/function; Has not been previously published as pathogenic or benign to our knowledge